The following is an entry in ClinVar:

NM_001039213.4(CEACAM16):c.575G>A (p.Arg192His)

Genes: CEACAM16 (CEA cell adhesion molecule 16, tectorial membrane component; plus strand), CEACAM16-AS1 (CEACAM16, CEACAM19 and PVR antisense RNA 1; minus strand). Cytogenetic location: 19q13.32.
Variant type: single nucleotide variant.
Coding change: c.575G>A on transcript NM_001039213.4 (MANE Select); coding-DNA position 575, G replaced by A.
Protein change: p.Arg192His; replaces arginine 192 with histidine.
Molecular consequence: missense variant.
Genome position (GRCh38, 1-based): chr19:44,704,210, G>A. VCF-style: chr19-44704210-G-A. GRCh37 (hg19) VCF-style: chr19-45207480-G-A.
Other names: short protein forms R192H.
Identifiers: ClinVar variation 1311258 (VCV001311258.7), dbSNP rs544948409, ClinGen allele CA9503098.
Genomic context (GRCh38, chr19:44,704,210, plus strand): 5'-CCGTCGCTCTCCGCCTGGGCCTGTCCCCTGACGGCCGGGTGCTGGCCAGGCATGGCATCC[G>A]CCGGGAGGAGGCCGGCGCCTATCAGTGTGAGGTGTGGAACCCGGTCAGTGTCAGCCGCAG-3'
Protein context (NP_001034302.2, residues 182-202): DGRVLARHGI[Arg192His]REEAGAYQCE

ClinVar aggregate classification (germline): Uncertain significance. Review status: criteria provided, multiple submitters, no conflicts (2 of 4 stars). 2 submissions from 2 submitters: Uncertain significance (2). Last evaluated 2025-01-15.

Allele frequency attached by ClinVar (database versions not stated): TOPMed 0.00002.
gnomAD v4.1: 74 of 1,554,856 alleles (0.0048%); highest among the groups gnomAD compares: South Asian, 0.03%; no homozygotes.

Submissions (2):

Labcorp Genetics (formerly Invitae), Labcorp
Classification: Uncertain significance. Last evaluated: 2025-01-15. Review status: criteria provided, single submitter. Criteria: Invitae Variant Classification Sherloc (09022015). Collection method: clinical testing. Allele origin: germline.
Comment: This sequence change replaces arginine, which is basic and polar, with histidine, which is basic and polar, at codon 192 of the CEACAM16 protein (p.Arg192His). This variant is present in population databases (rs544948409, gnomAD 0.03%). This variant has not been reported in the literature in individuals affected with CEACAM16-related conditions. ClinVar contains an entry for this variant (Variation ID: 1311258). Invitae Evidence Modeling of protein sequence and biophysical properties (such as structural, functional, and spatial information, amino acid conservation, physicochemical variation, residue mobility, and thermodynamic stability) indicates that this missense variant is not expected to disrupt CEACAM16 protein function with a negative predictive value of 80%. In summary, the available evidence is currently insufficient to determine the role of this variant in disease. Therefore, it has been classified as a Variant of Uncertain Significance.

GeneDx
Classification: Uncertain significance. Last evaluated: 2019-12-17. Review status: criteria provided, single submitter. Criteria: GeneDx Variant Classification Process June 2021. Collection method: clinical testing. Allele origin: germline. Affected: yes.
Comment: In silico analysis, which includes protein predictors and evolutionary conservation, supports that this variant does not alter protein structure/function; Has not been previously published as pathogenic or benign to our knowledge